The following is an entry in ClinVar:

NM_000051.4(ATM):c.2471C>T (p.Ser824Phe)

Gene: ATM (ATM serine/threonine kinase; plus strand). Cytogenetic location: 11q22.3.
Variant type: single nucleotide variant.
Coding change: c.2471C>T on transcript NM_000051.4 (MANE Select); coding-DNA position 2471, C replaced by T.
Protein change: p.Ser824Phe; replaces serine 824 with phenylalanine.
Molecular consequence: missense variant.
Genome position (GRCh38, 1-based): chr11:108,267,175, C>T. VCF-style: chr11-108267175-C-T. GRCh37 (hg19) VCF-style: chr11-108137902-C-T.
Other names: c.2471C>T, p.Ser824Phe (NM_001351834.2); short protein forms S824F.
Identifiers: ClinVar variation 490474 (VCV000490474.19), dbSNP rs1555082060, ClinGen allele CA382543123.

ClinVar aggregate classification (germline): Uncertain significance. Review status: criteria provided, multiple submitters, no conflicts (2 of 4 stars). 5 submissions from 5 submitters: Uncertain significance (4). 1 of the submissions does not count toward it. Last evaluated 2025-08-13.

Conditions:
Hereditary cancer-predisposing syndrome. Also called: Tumor predisposition; Neoplastic Syndromes, Hereditary; Hereditary Cancer Syndrome; Hereditary neoplastic syndrome. Identifiers: Orphanet 140162, MedGen C0027672, MeSH D009386, MONDO:0015356.
Ataxia-telangiectasia syndrome (AT). Also called: Ataxia-telangiectasia; Ataxia-telangiectasia, complementation group D; AT, COMPLEMENTATION GROUP C; LOUIS-BAR SYNDROME; Cerebello-oculocutaneous telangiectasia; Immunodeficiency with ataxia telangiectasia. Identifiers: Orphanet 100, MedGen C0004135, MONDO:0008840, OMIM 208900.

Submissions (5):

Labcorp Genetics (formerly Invitae), Labcorp
Classification: Uncertain significance for Ataxia-telangiectasia syndrome. Last evaluated: 2025-08-13. Review status: criteria provided, single submitter. Criteria: Invitae Variant Classification Sherloc (09022015). Collection method: clinical testing. Allele origin: germline.
Comment: This sequence change replaces serine, which is neutral and polar, with phenylalanine, which is neutral and non-polar, at codon 824 of the ATM protein (p.Ser824Phe). This variant is not present in population databases (gnomAD no frequency). This variant has not been reported in the literature in individuals affected with ATM-related conditions. ClinVar contains an entry for this variant (Variation ID: 490474). Invitae Evidence Modeling of protein sequence and biophysical properties (such as structural, functional, and spatial information, amino acid conservation, physicochemical variation, residue mobility, and thermodynamic stability) indicates that this missense variant is not expected to disrupt ATM protein function with a negative predictive value of 95%. In summary, the available evidence is currently insufficient to determine the role of this variant in disease. Therefore, it has been classified as a Variant of Uncertain Significance.

Color Diagnostics, LLC DBA Color Health
Classification: Uncertain significance for Hereditary cancer-predisposing syndrome. Last evaluated: 2023-12-05. Review status: criteria provided, single submitter. Criteria: ACMG Guidelines, 2015. Collection method: clinical testing. Allele origin: germline.
Comment: This missense variant replaces serine with phenylalanine at codon 824 of the ATM protein. Computational prediction suggests that this variant may not impact protein structure and function (internally defined REVEL score threshold <= 0.5, PMID: 27666373). To our knowledge, functional studies have not been reported for this variant. This variant has not been reported in individuals affected with ATM-related disorders in the literature. This variant has not been identified in the general population by the Genome Aggregation Database (gnomAD). The available evidence is insufficient to determine the role of this variant in disease conclusively. Therefore, this variant is classified as a Variant of Uncertain Significance.

Ambry Genetics
Classification: Uncertain significance for Hereditary cancer-predisposing syndrome. Last evaluated: 2023-03-23. Review status: criteria provided, single submitter. Criteria: Ambry Variant Classification Scheme 2023. Collection method: clinical testing. Allele origin: germline.
Comment: The p.S824F variant (also known as c.2471C>T), located in coding exon 16 of the ATM gene, results from a C to T substitution at nucleotide position 2471. The serine at codon 824 is replaced by phenylalanine, an amino acid with highly dissimilar properties. This amino acid position is well conserved in available vertebrate species. In addition, this alteration is predicted to be tolerated by in silico analysis. Since supporting evidence is limited at this time, the clinical significance of this alteration remains unclear.

Women's Health and Genetics/Laboratory Corporation of America, LabCorp
Classification: Uncertain significance. Last evaluated: 2016-05-20. Review status: criteria provided, single submitter. Criteria: LabCorp Variant Classification Summary - May 2015. Collection method: clinical testing. Allele origin: germline.
Comment: Variant summary: The ATM c.2471C>T (p.Ser824Phe) variant involves the alteration of a non-conserved nucleotide. 3/4 in silico tools predict a benign outcome (SNPs&GO not captured due to low reliability index). This variant is absent in 119764 control chromosomes. The variant of interest has not, to our knowledge, been reported in affected individuals via publications and/or reputable databases/clinical diagnostic laboratories; nor evaluated for functional impact by in vivo/vitro studies. Because of the absence of clinical information and the lack of functional studies, the variant was classified as a variant of uncertain significance (VUS) until additional information becomes available.

Natera, Inc.
Classification: Uncertain significance for Ataxia-telangiectasia. Last evaluated: 2021-09-16. Review status: no assertion criteria provided. Collection method: clinical testing. Allele origin: germline. Not counted in ClinVar's aggregate classification.